The following is an entry in ClinVar:

ClinVar aggregate classification (germline): Uncertain significance (1 of 4 stars; one submission).

Conditions:
Charcot-Marie-Tooth disease type 2. Also called: Charcot-Marie-Tooth type 2. Identifiers: Orphanet 64746, MedGen C0270914, MONDO:0018993.

Submission:

Labcorp Genetics (formerly Invitae), Labcorp
Classification: Uncertain significance for Charcot-Marie-Tooth disease type 2. Last evaluated: 2022-07-11. Review status: criteria provided, single submitter. Criteria: Invitae Variant Classification Sherloc (09022015). Collection method: clinical testing. Allele origin: germline.
Comment: This sequence change replaces histidine, which is basic and polar, with leucine, which is neutral and non-polar, at codon 698 of the MFN2 protein (p.His698Leu). This variant is not present in population databases (gnomAD no frequency). This missense change has been observed in individual(s) with clinical features of MFN2-related conditions (Invitae). ClinVar contains an entry for this variant (Variation ID: 408321). Advanced modeling of protein sequence and biophysical properties (such as structural, functional, and spatial information, amino acid conservation, physicochemical variation, residue mobility, and thermodynamic stability) performed at Invitae indicates that this missense variant is not expected to disrupt MFN2 protein function. In summary, the available evidence is currently insufficient to determine the role of this variant in disease. Therefore, it has been classified as a Variant of Uncertain Significance.

NM_014874.4(MFN2):c.2093A>T (p.His698Leu)

Gene: MFN2 (mitofusin 2; plus strand). Cytogenetic location: 1p36.22.
Variant type: single nucleotide variant.
Coding change: c.2093A>T on transcript NM_014874.4 (MANE Select); coding-DNA position 2093, A replaced by T.
Protein change: p.His698Leu; replaces histidine 698 with leucine.
Molecular consequence: missense variant.
Genome position (GRCh38, 1-based): chr1:12,009,615, A>T. VCF-style: chr1-12009615-A-T. GRCh37 (hg19) VCF-style: chr1-12069672-A-T.
Other names: c.2093A>T, p.His698Leu (NM_001127660.2); short protein forms H698L.
Identifiers: ClinVar variation 408321 (VCV000408321.8), dbSNP rs1060501916, ClinGen allele CA16609874.